The following is an entry in ClinVar:

ClinVar aggregate classification (germline): Uncertain significance (1 of 4 stars; one submission).

Allele frequency attached by ClinVar (database versions not stated): gnomAD exomes below 0.00001.
gnomAD v4.1: 2 of 1,604,090 alleles (0.00012%); highest among the groups gnomAD compares: Non-Finnish European, 0.00017%; no homozygotes.

Submission:

Labcorp Genetics (formerly Invitae), Labcorp
Classification: Uncertain significance. Last evaluated: 2023-05-30. Review status: criteria provided, single submitter. Criteria: Invitae Variant Classification Sherloc (09022015). Collection method: clinical testing. Allele origin: germline.
Comment: In summary, the available evidence is currently insufficient to determine the role of this variant in disease. Therefore, it has been classified as a Variant of Uncertain Significance. This variant has not been reported in the literature in individuals affected with CEP89-related conditions. This variant is not present in population databases (gnomAD no frequency). This sequence change creates a premature translational stop signal (p.Gln685*) in the CEP89 gene. It is expected to result in an absent or disrupted protein product. However, the current clinical and genetic evidence is not sufficient to establish whether loss-of-function variants in CEP89 cause disease.

NM_032816.5(CEP89):c.2053C>T (p.Gln685Ter)

Gene: CEP89 (centrosomal protein 89; minus strand). Cytogenetic location: 19q13.11.
Variant type: single nucleotide variant.
Coding change: c.2053C>T on transcript NM_032816.5 (MANE Select); coding-DNA position 2053, C replaced by T.
Protein change: p.Gln685Ter; replaces glutamine 685 with a stop codon.
Molecular consequence: nonsense.
Genome position (GRCh38, 1-based): chr19:32,881,926, G>A on the plus strand (C>T on the coding strand, the complement: CEP89 is on the minus strand). VCF-style: chr19-32881926-G-A. GRCh37 (hg19) VCF-style: chr19-33372832-G-A.
Other names: short protein forms Q685*.
Identifiers: ClinVar variation 2862279 (VCV002862279.3), dbSNP rs2513632133, ClinGen allele CA405208422.
Genomic context (GRCh38, chr19:32,881,926, plus strand): 5'-CCAGCACCTCCTGCTTGTCCTTCAGCACCTGGTGCAGGTGCCGCATCTCCTGCCGGTACT[G>A]GGCTGTCTTGCCGGCGAAGTCCTCCTGCTGCTCCAGCAGACGGTGACTGATGTCCCCCAG-3'